The following is an entry in ClinVar:

NM_001358921.2(COQ2):c.11C>G (p.Ser4Trp)

Genes: COQ2 (coenzyme Q2, polyprenyltransferase; minus strand), LOC112997540 (Sharpr-MPRA regulatory region 13773; plus strand). Cytogenetic location: 4q21.23.
Variant type: single nucleotide variant.
Coding change: c.11C>G on transcript NM_001358921.2 (MANE Select); coding-DNA position 11, C replaced by G.
Protein change: p.Ser4Trp; replaces serine 4 with tryptophan.
Molecular consequence: missense variant.
Genome position (GRCh38, 1-based): chr4:83,284,754, G>C on the plus strand (C>G on the coding strand, the complement: COQ2 is on the minus strand). VCF-style: chr4-83284754-G-C. GRCh37 (hg19) VCF-style: chr4-84205907-G-C.
Other names: c.161C>G, p.Ser54Trp (NM_015697.9); short protein forms S4W, S54W.
Identifiers: ClinVar variation 1511523 (VCV001511523.8), dbSNP rs376396608, ClinGen allele CA2988699.
Genomic context (GRCh38, chr4:83,284,754, plus strand): 5'-CAGCCCGGCAGCCACGCCAGTGCCACAGCCCGCAGGCCCCGCGCGAACCCCGCGGCTCGC[G>C]AGCCCAGCATGGCGCTGGTGAGGCCGGGACGAGCTCGGATTGACGTCATTCCCCGGCAGG-3'
Protein context (NP_001345850.1, residues 1-14): MLG[Ser4Trp]RAAGFARGLR

ClinVar aggregate classification (germline): Conflicting classifications of pathogenicity. Review status: criteria provided, conflicting classifications (1 of 4 stars). 3 submissions from 3 submitters: Uncertain significance (2); Likely benign (1). Last evaluated 2026-01-11.

Conditions:
Coenzyme Q10 deficiency, primary, 1. Also called: UBIQUINONE DEFICIENCY 1; COENZYME Q DEFICIENCY 1; CoQ DEFICIENCY 1. Identifiers: Orphanet 255249, MedGen C3551954, MONDO:0011829, OMIM 607426.
Multiple system atrophy 1, susceptibility to. Also called: MSA1, SUSCEPTIBILITY TO. Identifiers: MedGen C3714927, MONDO:0020715, OMIM 146500.

Allele frequency attached by ClinVar (database versions not stated): ESP Exome Variant Server 0.00009; gnomAD 0.00015 and 0.00016; TOPMed 0.00019; gnomAD exomes 0.00032; ExAC 0.00138.
gnomAD v4.1: 561 of 1,536,430 alleles (0.037%); highest among the groups gnomAD compares: Non-Finnish European, 0.046%; 1 homozygote.

Submissions (3):

Labcorp Genetics (formerly Invitae), Labcorp
Classification: Uncertain significance. Last evaluated: 2026-01-11. Review status: criteria provided, single submitter. Criteria: Invitae Variant Classification Sherloc (09022015). Collection method: clinical testing. Allele origin: germline.
Comment: This sequence change replaces serine, which is neutral and polar, with tryptophan, which is neutral and slightly polar, at codon 54 of the COQ2 protein (p.Ser54Trp). This variant is present in population databases (rs376396608, gnomAD 0.07%). This variant has not been reported in the literature in individuals affected with COQ2-related conditions. ClinVar contains an entry for this variant (Variation ID: 1511523). An algorithm developed to predict the effect of missense changes on protein structure and function outputs the following: PolyPhen-2: "Benign". The tryptophan amino acid residue is found in multiple mammalian species, which suggests that this missense change does not adversely affect protein function. In summary, the available evidence is currently insufficient to determine the role of this variant in disease. Therefore, it has been classified as a Variant of Uncertain Significance.

Blueprint Genetics
Classification: Likely benign. Last evaluated: 2024-09-12. Review status: criteria provided, single submitter. Criteria: ACMG Guidelines, 2015. Collection method: clinical testing. Allele origin: germline.

Fulgent Genetics
Classification: Uncertain significance for Multiple system atrophy 1, susceptibility to; Coenzyme Q10 deficiency, primary, 1. Last evaluated: 2023-12-22. Review status: criteria provided, single submitter. Criteria: ACMG Guidelines, 2015. Collection method: clinical testing. Allele origin: germline.